The following is an entry in ClinVar:

ClinVar aggregate classification (germline): Likely pathogenic (1 of 4 stars; one submission).

gnomAD v4.1: 1 of 1,598,094 alleles (0.000063%); highest among the groups gnomAD compares: Non-Finnish European, 0.000086%; no homozygotes.

Submission:

GeneDx
Classification: Likely pathogenic. Last evaluated: 2026-03-12. Review status: criteria provided, single submitter. Criteria: GeneDx Variant Classification Process June 2021. Collection method: clinical testing. Allele origin: germline.
Comment: Canonical splice site variant predicted to result in a null allele in a gene for which loss of function is a known mechanism of disease; Not observed at significant frequency in large population cohorts (gnomAD); Has not been previously published as pathogenic or benign to our knowledge

NM_003024.3(ITSN1):c.527-1G>A

Gene: ITSN1 (intersectin 1; plus strand). Cytogenetic location: 21q22.11.
Variant type: single nucleotide variant.
Coding change: c.527-1G>A on transcript NM_003024.3 (MANE Select); the canonical splice acceptor site of the intron before coding-DNA position 527, G replaced by A.
Molecular consequence: splice acceptor variant.
Genome position (GRCh38, 1-based): chr21:33,751,809, G>A. VCF-style: chr21-33751809-G-A. GRCh37 (hg19) VCF-style: chr21-35124114-G-A.
Other names: c.527-1G>A (NM_001331010.2, NM_001001132.2, NM_001331008.2 and 2 more transcripts); c.416-1G>A (NM_001331012.2).
Identifiers: ClinVar variation 4891511 (VCV004891511.1).